The following is an entry in ClinVar:

NM_014845.6(FIG4):c.775+5C>G

Gene: FIG4 (FIG4 phosphoinositide 5-phosphatase; plus strand). Cytogenetic location: 6q21.
Variant type: single nucleotide variant.
Coding change: c.775+5C>G on transcript NM_014845.6 (MANE Select); 5 bases into the intron after coding-DNA position 775, C replaced by G.
Molecular consequence: intron variant.
Genome position (GRCh38, 1-based): chr6:109,738,458, C>G. VCF-style: chr6-109738458-C-G. GRCh37 (hg19) VCF-style: chr6-110059661-C-G.
Identifiers: ClinVar variation 1023897 (VCV001023897.8), dbSNP rs1776227879, ClinGen allele CA2499218021.

ClinVar aggregate classification (germline): Uncertain significance (1 of 4 stars; one submission).

Conditions:
Charcot-Marie-Tooth disease type 4. Also called: Charcot-Marie-Tooth, Type 4; Charcot-Marie-Tooth disease, type IV. Identifiers: Orphanet 64749, MedGen C4082197, MONDO:0018995.

Submission:

Labcorp Genetics (formerly Invitae), Labcorp
Classification: Uncertain significance for Charcot-Marie-Tooth disease type 4. Last evaluated: 2020-01-17. Review status: criteria provided, single submitter. Criteria: Invitae Variant Classification Sherloc (09022015). Collection method: clinical testing. Allele origin: germline.
Comment: Nucleotide substitutions within the consensus splice site are a relatively common cause of aberrant splicing (PMID: 17576681, 9536098). Algorithms developed to predict the effect of sequence changes on RNA splicing suggest that this variant may create or strengthen a splice site, but this prediction has not been confirmed by published transcriptional studies. In summary, the available evidence is currently insufficient to determine the role of this variant in disease. Therefore, it has been classified as a Variant of Uncertain Significance. This variant has not been reported in the literature in individuals with FIG4-related conditions. This variant is not present in population databases (ExAC no frequency). This sequence change falls in intron 7 of the FIG4 gene. It does not directly change the encoded amino acid sequence of the FIG4 protein, but it affects a nucleotide within the consensus splice site of the intron.

Literature cited by the submitters: PubMed 17576681; PubMed 9536098.